The following is an entry in ClinVar:

ClinVar aggregate classification (germline): Uncertain significance (1 of 4 stars; one submission).

Submission:

Ambry Genetics
Classification: Uncertain significance. Last evaluated: 2025-05-19. Review status: criteria provided, single submitter. Criteria: Ambry Variant Classification Scheme 2023. Collection method: clinical testing. Allele origin: germline.
Comment: The p.I548M variant (also known as c.1644C>G), located in coding exon 17 of the KIF1B gene, results from a C to G substitution at nucleotide position 1644. The isoleucine at codon 548 is replaced by methionine, an amino acid with highly similar properties. This amino acid position is conserved. In addition, the in silico prediction for this alteration is inconclusive. Based on the available evidence, the clinical significance of this variant remains unclear.

NM_001365951.3(KIF1B):c.1782C>G (p.Ile594Met)

Gene: KIF1B (kinesin family member 1B; plus strand). Cytogenetic location: 1p36.22.
Variant type: single nucleotide variant.
Coding change: c.1782C>G on transcript NM_001365951.3 (MANE Select); coding-DNA position 1782, C replaced by G.
Protein change: p.Ile594Met; replaces isoleucine 594 with methionine.
Molecular consequence: missense variant.
Genome position (GRCh38, 1-based): chr1:10,296,586, C>G. VCF-style: chr1-10296586-C-G. GRCh37 (hg19) VCF-style: chr1-10356644-C-G.
Other names: c.1782C>G, p.Ile594Met (NM_001365952.1); c.1644C>G, p.Ile548Met (NM_001365953.1, NM_015074.3, NM_183416.4); short protein forms I594M, I548M.
Identifiers: ClinVar variation 4043035 (VCV004043035.1).